The following is an entry in ClinVar:

NM_001042432.2(CLN3):c.906+2T>A

Gene: CLN3 (CLN3 lysosomal/endosomal transmembrane protein, battenin; minus strand). Cytogenetic location: 16p12.1.
Variant type: single nucleotide variant.
Coding change: c.906+2T>A on transcript NM_001042432.2 (MANE Select); the canonical splice donor site of the intron after coding-DNA position 906, T replaced by A.
Molecular consequence: splice donor variant.
Genome position (GRCh38, 1-based): chr16:28,482,475, A>T on the plus strand (T>A on the coding strand, the complement: CLN3 is on the minus strand). VCF-style: chr16-28482475-A-T. GRCh37 (hg19) VCF-style: chr16-28493796-A-T.
Other names: c.672+2T>A (NM_001286109.2); c.834+2T>A (NM_001286104.2); c.606+2T>A (NM_001286105.2); c.744+2T>A (NM_001286110.2); c.906+2T>A (NM_000086.2).
Identifiers: ClinVar variation 370455 (VCV000370455.13), dbSNP rs771788391, ClinGen allele CA7980777.

ClinVar aggregate classification (germline): Pathogenic/Likely pathogenic. Review status: criteria provided, multiple submitters, no conflicts (2 of 4 stars). 4 submissions from 4 submitters: Pathogenic (1); Likely pathogenic (2). 1 of the submissions does not count toward it. Last evaluated 2024-01-31.

Conditions:
Neuronal ceroid lipofuscinosis. Also called: Neuronal Ceroid Lipofuscinoses. Identifiers: Orphanet 216, Orphanet 79263, MedGen C0027877, MONDO:0016295. Disease mechanism: loss of function.
Neuronal ceroid lipofuscinosis 3 (CLN3). Identifiers: Orphanet 228346, MedGen C0751383, MONDO:0008767, OMIM 204200.

Allele frequency attached by ClinVar (database versions not stated): ExAC 0.00001; gnomAD exomes 0.00001.
gnomAD v4.1: 4 of 1,614,144 alleles (0.00025%); highest among the groups gnomAD compares: Non-Finnish European, 0.00025%; no homozygotes.

Submissions (4):

Labcorp Genetics (formerly Invitae), Labcorp
Classification: Likely pathogenic for Neuronal ceroid lipofuscinosis. Last evaluated: 2024-01-31. Review status: criteria provided, single submitter. Criteria: Invitae Variant Classification Sherloc (09022015). Collection method: clinical testing. Allele origin: germline.
Comment: This sequence change affects a donor splice site in intron 12 of the CLN3 gene. It is expected to disrupt RNA splicing. Variants that disrupt the donor or acceptor splice site typically lead to a loss of protein function (PMID: 16199547), and loss-of-function variants in CLN3 are known to be pathogenic (PMID: 9311735, 28542676). This variant is present in population databases (rs771788391, gnomAD 0.002%). Disruption of this splice site has been observed in individual(s) with neurodevelopmental regression disorders (PMID: 36435927). ClinVar contains an entry for this variant (Variation ID: 370455). Algorithms developed to predict the effect of sequence changes on RNA splicing suggest that this variant may disrupt the consensus splice site. In summary, the currently available evidence indicates that the variant is pathogenic, but additional data are needed to prove that conclusively. Therefore, this variant has been classified as Likely Pathogenic.

Baylor Genetics
Classification: Likely pathogenic for Neuronal ceroid lipofuscinosis 3. Last evaluated: 2023-12-06. Review status: criteria provided, single submitter. Criteria: ACMG Guidelines, 2015. Collection method: clinical testing. Allele origin: unknown.

Eurofins Ntd Llc (ga)
Classification: Pathogenic. Last evaluated: 2016-12-05. Review status: criteria provided, single submitter. Criteria: EGL Classification Definitions 2015. Collection method: clinical testing. Allele origin: germline. Observed: 1 variant allele, 1 heterozygote.

Counsyl
Classification: Likely pathogenic for Neuronal ceroid lipofuscinosis 3. Last evaluated: 2019-07-12. Review status: no assertion criteria provided. Collection method: clinical testing. Allele origin: unknown. Not counted in ClinVar's aggregate classification.

Literature cited by the submitters: PubMed 16199547 (cited by Labcorp Genetics (formerly Invitae), Labcorp); PubMed 9311735 (cited by Labcorp Genetics (formerly Invitae), Labcorp); PubMed 28542676 (cited by Labcorp Genetics (formerly Invitae), Labcorp); PubMed 36435927 (cited by Labcorp Genetics (formerly Invitae), Labcorp).